The following is an entry in ClinVar:

NM_003872.3(NRP2):c.2259G>C (p.Glu753Asp)

Gene: NRP2 (neuropilin 2; plus strand). Cytogenetic location: 2q33.3.
Variant type: single nucleotide variant.
Coding change: c.2259G>C on transcript NM_003872.3 (MANE Select); coding-DNA position 2259, G replaced by C.
Protein change: p.Glu753Asp; replaces glutamic acid 753 with aspartic acid.
Molecular consequence: missense variant.
Genome position (GRCh38, 1-based): chr2:205,763,888, G>C. VCF-style: chr2-205763888-G-C. GRCh37 (hg19) VCF-style: chr2-206628612-G-C.
Other names: c.2259G>C, p.Glu753Asp (NM_018534.4, NM_201266.2, NM_201267.2 and 1 more transcripts); short protein forms E753D.
Identifiers: ClinVar variation 3357229 (VCV003357229.2).

ClinVar aggregate classification (germline): Uncertain significance (1 of 4 stars; one submission).

Conditions:
NRP2-related disorder. Also called: NRP2-related condition.

gnomAD v4.1: 4 of 1,614,072 alleles (0.00025%); highest among the groups gnomAD compares: Admixed American, 0.005%; no homozygotes.

Submission:

PreventionGenetics, part of Exact Sciences
Classification: Uncertain significance for NRP2-related condition. Last evaluated: 2026-08-13. Review status: criteria provided, single submitter. Criteria: ACMG Guidelines, 2015. Collection method: clinical testing. Allele origin: germline.
Comment: The NRP2 c.2259G>C variant is predicted to result in the amino acid substitution p.Glu753Asp. To our knowledge, this variant has not been reported in the literature. This variant is reported in 0.0087% of alleles in individuals of Latino descent in gnomAD. At this time, the clinical significance of this variant is uncertain due to the absence of conclusive functional and genetic evidence.